The following is an entry in ClinVar:

NM_000038.6(APC):c.3726G>T (p.Gln1242His)

Gene: APC (APC regulator of Wnt signaling pathway; plus strand). Cytogenetic location: 5q22.2.
Variant type: single nucleotide variant.
Coding change: c.3726G>T on transcript NM_000038.6 (MANE Select); coding-DNA position 3726, G replaced by T.
Protein change: p.Gln1242His; replaces glutamine 1242 with histidine.
Molecular consequence: missense variant.
Genome position (GRCh38, 1-based): chr5:112,839,320, G>T. VCF-style: chr5-112839320-G-T. GRCh37 (hg19) VCF-style: chr5-112175017-G-T.
Other names: c.3726G>T, p.Gln1242His (NM_001127510.3, NM_001354895.2); c.3672G>T, p.Gln1224His (NM_001127511.3); c.3780G>T, p.Gln1260His (NM_001354896.2); c.3756G>T, p.Gln1252His (NM_001354897.2); c.3651G>T, p.Gln1217His (NM_001354898.2); c.3642G>T, p.Gln1214His (NM_001354899.2); c.3603G>T, p.Gln1201His (NM_001354900.2); c.3549G>T, p.Gln1183His (NM_001354901.2); and 5 more; short protein forms Q1082H, Q1116H, Q1141H, Q1151H, Q1183H, Q1201H, Q1214H, Q1217H.
Identifiers: ClinVar variation 1015119 (VCV001015119.48), dbSNP rs1765504362, ClinGen allele CA16029510.

ClinVar aggregate classification (germline): Uncertain significance (1 of 4 stars; one submission).

Conditions:
Familial adenomatous polyposis 1 (FAP1). Also called: FAMILIAL ADENOMATOUS POLYPOSIS 1, ATTENUATED; POLYPOSIS, ADENOMATOUS INTESTINAL. Identifiers: MedGen C2713442, MONDO:0021056, OMIM 175100. Disease mechanism: loss of function.

Submission:

Labcorp Genetics (formerly Invitae), Labcorp
Classification: Uncertain significance for Familial adenomatous polyposis 1. Last evaluated: 2020-01-23. Review status: criteria provided, single submitter. Criteria: Invitae Variant Classification Sherloc (09022015). Collection method: clinical testing. Allele origin: germline.
Comment: This sequence change replaces glutamine with histidine at codon 1242 of the APC protein (p.Gln1242His). The glutamine residue is moderately conserved and there is a small physicochemical difference between glutamine and histidine. This variant is not present in population databases (ExAC no frequency). This variant has not been reported in the literature in individuals with APC-related conditions. Algorithms developed to predict the effect of missense changes on protein structure and function output the following: SIFT: "Tolerated"; PolyPhen-2: "Benign"; Align-GVGD: "Class C0". The histidine amino acid residue is found in multiple mammalian species, suggesting that this missense change does not adversely affect protein function. These predictions have not been confirmed by published functional studies and their clinical significance is uncertain. In summary, the available evidence is currently insufficient to determine the role of this variant in disease. Therefore, it has been classified as a Variant of Uncertain Significance.